The following is an entry in ClinVar:

ClinVar aggregate classification (germline): Uncertain significance. Review status: criteria provided, multiple submitters, no conflicts (2 of 4 stars). 5 submissions from 5 submitters: Uncertain significance (5). Last evaluated 2025-12-14.

Conditions:
Dilated cardiomyopathy 1AA (CMD1AA). Also called: CARDIOMYOPATHY, DILATED, 1AA, WITH OR WITHOUT LEFT VENTRICULAR NONCOMPACTION; CARDIOMYOPATHY, FAMILIAL HYPERTROPHIC, 23, WITH OR WITHOUT LEFT VENTRICULAR NONCOMPACTION; Cardiomyopathy, dilated, 1AA, with or without LVNC. Identifiers: Orphanet 154, MedGen C2677338, MONDO:0012808, OMIM 612158.
Primary familial hypertrophic cardiomyopathy (HCM). Identifiers: Orphanet 99739, MedGen C0949658, MeSH D024741, MONDO:0024573. Inheritance: Various modes of inheritance.
Cardiovascular phenotype. Identifiers: MedGen CN230736.
Myopathy, congenital, with structured cores and z-line abnormalities. Also called: CONGENITAL MYOPATHY 8; MULTIPLE STRUCTURED CORE DISEASE. Identifiers: MedGen C5231445, MONDO:0032852, OMIM 618654.
Myopathy, distal, 6, adult-onset, autosomal dominant. Identifiers: MedGen C5203349, MONDO:0032853, OMIM 618655.

Allele frequency attached by ClinVar (database versions not stated): gnomAD exomes 0.00001 and 0.00002; ExAC 0.00001; gnomAD 0.00002; TOPMed 0.00004.
gnomAD v4.1: 23 of 1,614,142 alleles (0.0014%); highest among the groups gnomAD compares: African/African-American, 0.0053%; no homozygotes.

Submissions (5):

Labcorp Genetics (formerly Invitae), Labcorp
Classification: Uncertain significance for Primary familial hypertrophic cardiomyopathy; Dilated cardiomyopathy 1AA. Last evaluated: 2025-12-14. Review status: criteria provided, single submitter. Criteria: Invitae Variant Classification Sherloc (09022015). Collection method: clinical testing. Allele origin: germline.
Comment: This sequence change replaces arginine, which is basic and polar, with cysteine, which is neutral and slightly polar, at codon 640 of the ACTN2 protein (p.Arg640Cys). This variant is present in population databases (rs769453411, gnomAD 0.006%). This missense change has been observed in individual(s) with clinical features of ACTN2-related conditions (PMID: 26688388, 29247119). ClinVar contains an entry for this variant (Variation ID: 296507). Invitae Evidence Modeling of protein sequence and biophysical properties (such as structural, functional, and spatial information, amino acid conservation, physicochemical variation, residue mobility, and thermodynamic stability) indicates that this missense variant is not expected to disrupt ACTN2 protein function with a negative predictive value of 80%. In summary, the available evidence is currently insufficient to determine the role of this variant in disease. Therefore, it has been classified as a Variant of Uncertain Significance.

Ambry Genetics
Classification: Uncertain significance for Cardiovascular phenotype. Last evaluated: 2025-04-24. Review status: criteria provided, single submitter. Criteria: Ambry Variant Classification Scheme 2023. Collection method: clinical testing. Allele origin: germline.
Comment: The p.R640C variant (also known as c.1918C>T), located in coding exon 16 of the ACTN2 gene, results from a C to T substitution at nucleotide position 1918. The arginine at codon 640 is replaced by cysteine, an amino acid with highly dissimilar properties. This alteration has been reported in sudden death cohorts; however, clinical details were limited (Chanavat V et al. Clin Chim Acta, 2016 Jan;453:80-5; Lin Y et al. Circ Cardiovasc Genet, 2017 Dec;10:[ePub ahead of print]). Additionally, this variant was detected in a cardiomyopathy genetic testing cohort; however, clinical details were limited, and additional cardiac variants were detected in some cases (van Lint FHM et al. Neth Heart J, 2019 Jun;27:304-309). This amino acid position is highly conserved in available vertebrate species. In addition, this alteration is predicted to be deleterious by in silico analysis. Since supporting evidence is limited at this time, the clinical significance of this alteration remains unclear.

GeneDx
Classification: Uncertain significance. Last evaluated: 2024-05-31. Review status: criteria provided, single submitter. Criteria: GeneDx Variant Classification Process June 2021. Collection method: clinical testing. Allele origin: germline.
Comment: Reported in an individual with DCM and an individual with sudden unexplained death (PMID: 26688388, 29247119); In silico analysis supports that this missense variant has a deleterious effect on protein structure/function; This variant is associated with the following publications: (PMID: 29247119, 26688388)

Fulgent Genetics
Classification: Uncertain significance for Dilated cardiomyopathy 1AA; Myopathy, congenital, with structured cores and z-line abnormalities; Myopathy, distal, 6, adult-onset, autosomal dominant. Last evaluated: 2021-10-20. Review status: criteria provided, single submitter. Criteria: ACMG Guidelines, 2015. Collection method: clinical testing. Allele origin: unknown.

Illumina Laboratory Services, Illumina
Classification: Uncertain significance for Dilated cardiomyopathy 1AA. Last evaluated: 2018-01-13. Review status: criteria provided, single submitter. Criteria: ICSL Variant Classification Criteria 13 December 2019. Collection method: clinical testing. Allele origin: germline.

Literature cited by the submitters: PubMed 26688388 (cited by Labcorp Genetics (formerly Invitae), Labcorp and Ambry Genetics); PubMed 29247119 (cited by Labcorp Genetics (formerly Invitae), Labcorp and Ambry Genetics); PubMed 30847666 (cited by Ambry Genetics).

NM_001103.4(ACTN2):c.1918C>T (p.Arg640Cys)

Gene: ACTN2 (actinin alpha 2; plus strand). Cytogenetic location: 1q43.
Variant type: single nucleotide variant.
Coding change: c.1918C>T on transcript NM_001103.4 (MANE Select); coding-DNA position 1918, C replaced by T.
Protein change: p.Arg640Cys; replaces arginine 640 with cysteine.
Molecular consequence: missense variant.
Genome position (GRCh38, 1-based): chr1:236,754,025, C>T. VCF-style: chr1-236754025-C-T. GRCh37 (hg19) VCF-style: chr1-236917325-C-T.
Other names: c.1918C>T, p.Arg640Cys (NM_001278343.2); c.1294C>T, p.Arg432Cys (NM_001278344.2); short protein forms R640C, R432C.
Identifiers: ClinVar variation 296507 (VCV000296507.17), dbSNP rs769453411, ClinGen allele CA1473285.